The following is an entry in ClinVar:

ClinVar aggregate classification (germline): Conflicting classifications of pathogenicity. Review status: criteria provided, conflicting classifications (1 of 4 stars). 4 submissions from 4 submitters: Uncertain significance (2); Likely benign (1). 1 of the submissions does not count toward it. Last evaluated 2024-05-04.

Conditions:
Inborn genetic diseases. Identifiers: MedGen C0950123, MeSH D030342.
ARHGAP31-related disorder. Also called: ARHGAP31-related condition.

Allele frequency attached by ClinVar (database versions not stated): gnomAD 0.00003 and 0.00004; gnomAD exomes 0.00003 and 0.00013; TOPMed 0.00008; ExAC 0.00009.
gnomAD v4.1: 48 of 1,614,006 alleles (0.003%); highest among the groups gnomAD compares: Admixed American, 0.078%; no homozygotes.

Submissions (4):

Labcorp Genetics (formerly Invitae), Labcorp
Classification: Likely benign. Last evaluated: 2024-05-04. Review status: criteria provided, single submitter. Criteria: Invitae Variant Classification Sherloc (09022015). Collection method: clinical testing. Allele origin: germline.

GeneDx
Classification: Uncertain significance. Last evaluated: 2024-03-26. Review status: criteria provided, single submitter. Criteria: GeneDx Variant Classification Process June 2021. Collection method: clinical testing. Allele origin: germline. Affected: yes.
Comment: In silico analysis supports that this missense variant does not alter protein structure/function; Has not been previously published as pathogenic or benign to our knowledge

Ambry Genetics
Classification: Uncertain significance for Inborn genetic diseases. Last evaluated: 2021-02-11. Review status: criteria provided, single submitter. Criteria: Ambry Variant Classification Scheme 2023. Collection method: clinical testing. Allele origin: germline.

PreventionGenetics, part of Exact Sciences
Classification: Likely benign for ARHGAP31-related condition. Last evaluated: 2022-08-02. Review status: no assertion criteria provided. Collection method: clinical testing. Allele origin: germline. Not counted in ClinVar's aggregate classification.
Comment: This variant is classified as likely benign based on ACMG/AMP sequence variant interpretation guidelines (Richards et al. 2015 PMID: 25741868, with internal and published modifications).

NM_020754.4(ARHGAP31):c.4189T>C (p.Trp1397Arg)

Gene: ARHGAP31 (Rho GTPase activating protein 31; plus strand). Cytogenetic location: 3q13.33.
Variant type: single nucleotide variant.
Coding change: c.4189T>C on transcript NM_020754.4 (MANE Select); coding-DNA position 4189, T replaced by C.
Protein change: p.Trp1397Arg; replaces tryptophan 1397 with arginine.
Molecular consequence: missense variant.
Genome position (GRCh38, 1-based): chr3:119,416,118, T>C. VCF-style: chr3-119416118-T-C. GRCh37 (hg19) VCF-style: chr3-119134965-T-C.
Other names: c.4189T>C (NM_020754.2, NM_020754.3); short protein forms W1397R.
Identifiers: ClinVar variation 1610635 (VCV001610635.12), dbSNP rs760356067, ClinGen allele CA2554312.